The following is an entry in ClinVar:

NM_017950.4(CCDC40):c.1067C>T (p.Ser356Leu)

Gene: CCDC40 (coiled-coil domain 40 molecular ruler complex subunit; plus strand). Cytogenetic location: 17q25.3.
Variant type: single nucleotide variant.
Coding change: c.1067C>T on transcript NM_017950.4 (MANE Select); coding-DNA position 1067, C replaced by T.
Protein change: p.Ser356Leu; replaces serine 356 with leucine.
Molecular consequence: missense variant.
Genome position (GRCh38, 1-based): chr17:80,050,191, C>T. VCF-style: chr17-80050191-C-T. GRCh37 (hg19) VCF-style: chr17-78023990-C-T.
Other names: c.1067C>T, p.Ser356Leu (NM_001243342.2, NM_001330508.2); c.1067C>T (NM_017950.3); short protein forms S356L.
Identifiers: ClinVar variation 1015737 (VCV001015737.8), dbSNP rs200448007, ClinGen allele CA8813674.

ClinVar aggregate classification (germline): Conflicting classifications of pathogenicity. Review status: criteria provided, conflicting classifications (1 of 4 stars). 3 submissions from 3 submitters: Uncertain significance (2); Likely benign (1). Last evaluated 2024-12-28.

Conditions:
CCDC40-related disorder. Also called: CCDC40-related condition.
Primary ciliary dyskinesia. Also called: Ciliary dyskinesia. Identifiers: Orphanet 244, MedGen C0008780, MONDO:0016575, HP:0012265.

Allele frequency attached by ClinVar (database versions not stated): gnomAD exomes 0.00002 and 0.00005; ExAC 0.00008; TOPMed 0.00014; gnomAD 0.00015 and 0.00016; ESP Exome Variant Server 0.00016; 1000 Genomes Project 0.00040; 1000 Genomes Project 30x 0.00047.
gnomAD v4.1: 60 of 1,612,072 alleles (0.0037%); highest among the groups gnomAD compares: African/African-American, 0.06%; no homozygotes.

Submissions (3):

Ambry Genetics
Classification: Likely benign for Primary ciliary dyskinesia. Last evaluated: 2024-12-28. Review status: criteria provided, single submitter. Criteria: Ambry Variant Classification Scheme 2023. Collection method: clinical testing. Allele origin: germline.

PreventionGenetics, part of Exact Sciences
Classification: Uncertain significance for CCDC40-related condition. Last evaluated: 2024-10-25. Review status: criteria provided, single submitter. Criteria: ACMG Guidelines, 2015. Collection method: clinical testing. Allele origin: germline.
Comment: The CCDC40 c.1067C>T variant is predicted to result in the amino acid substitution p.Ser356Leu. To our knowledge, this variant has not been reported in the literature. This variant is reported in 0.063% of alleles in individuals of African descent in gnomAD. At this time, the clinical significance of this variant is uncertain due to the absence of conclusive functional and genetic evidence.

Labcorp Genetics (formerly Invitae), Labcorp
Classification: Uncertain significance for Primary ciliary dyskinesia. Last evaluated: 2021-08-20. Review status: criteria provided, single submitter. Criteria: Invitae Variant Classification Sherloc (09022015). Collection method: clinical testing. Allele origin: germline.
Comment: This sequence change replaces serine with leucine at codon 356 of the CCDC40 protein (p.Ser356Leu). The serine residue is moderately conserved and there is a large physicochemical difference between serine and leucine. This variant is present in population databases (rs200448007, ExAC 0.08%). This variant has not been reported in the literature in individuals affected with CCDC40-related conditions. Algorithms developed to predict the effect of missense changes on protein structure and function are either unavailable or do not agree on the potential impact of this missense change (SIFT: "Deleterious"; PolyPhen-2: "Benign"; Align-GVGD: "Class C0"). In summary, the available evidence is currently insufficient to determine the role of this variant in disease. Therefore, it has been classified as a Variant of Uncertain Significance.